The following is an entry in ClinVar:

ClinVar aggregate classification (germline): Uncertain significance (1 of 4 stars; one submission).

Conditions:
Glycogen storage disease due to muscle and heart glycogen synthase deficiency. Also called: GSD 0b; MUSCLE GLYCOGEN SYNTHASE DEFICIENCY. Identifiers: Orphanet 137625, MedGen C1969054, MONDO:0012693, OMIM 611556.

Submission:

Labcorp Genetics (formerly Invitae), Labcorp
Classification: Uncertain significance for Glycogen storage disease due to muscle and heart glycogen synthase deficiency. Last evaluated: 2022-11-22. Review status: criteria provided, single submitter. Criteria: Invitae Variant Classification Sherloc (09022015). Collection method: clinical testing. Allele origin: germline.
Comment: In summary, the available evidence is currently insufficient to determine the role of this variant in disease. Therefore, it has been classified as a Variant of Uncertain Significance. Advanced modeling of protein sequence and biophysical properties (such as structural, functional, and spatial information, amino acid conservation, physicochemical variation, residue mobility, and thermodynamic stability) performed at Invitae indicates that this missense variant is not expected to disrupt GYS1 protein function. ClinVar contains an entry for this variant (Variation ID: 645191). This variant has not been reported in the literature in individuals affected with GYS1-related conditions. This variant is not present in population databases (gnomAD no frequency). This sequence change replaces arginine, which is basic and polar, with threonine, which is neutral and polar, at codon 74 of the GYS1 protein (p.Arg74Thr).

NM_002103.5(GYS1):c.221G>C (p.Arg74Thr)

Gene: GYS1 (glycogen synthase 1; minus strand). Cytogenetic location: 19q13.33.
Variant type: single nucleotide variant.
Coding change: c.221G>C on transcript NM_002103.5 (MANE Select); coding-DNA position 221, G replaced by C.
Protein change: p.Arg74Thr; replaces arginine 74 with threonine.
Molecular consequence: missense variant.
Genome position (GRCh38, 1-based): chr19:48,991,381, C>G on the plus strand (G>C on the coding strand, the complement: GYS1 is on the minus strand). VCF-style: chr19-48991381-C-G. GRCh37 (hg19) VCF-style: chr19-49494638-C-G.
Other names: c.221G>C, p.Arg74Thr (NM_001161587.2); short protein forms R74T.
Identifiers: ClinVar variation 645191 (VCV000645191.8), dbSNP rs1600154718, ClinGen allele CA406766665.
Genomic context (GRCh38, chr19:48,991,381, plus strand): 5'-ATGGAATCCAGTGTCCTCTTCAGGGCCGGGGTGGGGGCCTCCAGCAGTTCCACCTGGGTC[C>G]TCACGCCCTGCTCCGTGTACGGCCCCACCAGGAAGTAGTTGTCGCCCCATTCGTCCCCTG-3'
Protein context (NP_002094.2, residues 64-84): LVGPYTEQGV[Arg74Thr]TQVELLEAPT